The following is an entry in ClinVar:

ClinVar aggregate classification (germline): Conflicting classifications of pathogenicity. Review status: criteria provided, conflicting classifications (1 of 4 stars). 2 submissions from 2 submitters: Uncertain significance (1); Likely benign (1). Last evaluated 2025-11-01.

Conditions:
Inborn genetic diseases. Identifiers: MedGen C0950123, MeSH D030342.

Allele frequency attached by ClinVar (database versions not stated): gnomAD exomes 0.00001; TOPMed 0.00001; ExAC 0.00003.
gnomAD v4.1: 3 of 1,610,888 alleles (0.00019%); highest among the groups gnomAD compares: Non-Finnish European, 0.00025%; no homozygotes.

Submissions (2):

CeGaT Center for Human Genetics Tuebingen
Classification: Likely benign. Last evaluated: 2025-11-01. Review status: criteria provided, single submitter. Criteria: CeGaT Center For Human Genetics Tuebingen Variant Classification Criteria Version 2. Collection method: clinical testing. Allele origin: germline. Affected: yes. Observed: 1 variant allele.
Comment: CAMTA1: BP4

Ambry Genetics
Classification: Uncertain significance for Inborn genetic diseases. Last evaluated: 2023-08-04. Review status: criteria provided, single submitter. Criteria: Ambry Variant Classification Scheme 2023. Collection method: clinical testing. Allele origin: germline.

NM_015215.4(CAMTA1):c.2066A>T (p.Glu689Val)

Gene: CAMTA1 (calmodulin binding transcription activator 1; plus strand). Cytogenetic location: 1p36.23.
Variant type: single nucleotide variant.
Coding change: c.2066A>T on transcript NM_015215.4 (MANE Select); coding-DNA position 2066, A replaced by T.
Protein change: p.Glu689Val; replaces glutamic acid 689 with valine.
Molecular consequence: missense variant.
Genome position (GRCh38, 1-based): chr1:7,664,613, A>T. VCF-style: chr1-7664613-A-T. GRCh37 (hg19) VCF-style: chr1-7724673-A-T.
Other names: c.1976A>T, p.Glu659Val (NM_001349608.2, NM_001349612.2); c.2066A>T, p.Glu689Val (NM_001349609.2, NM_001349610.2, NM_001410737.1); c.1994A>T, p.Glu665Val (NM_001410738.1); short protein forms E665V, E689V, E659V.
Identifiers: ClinVar variation 2614402 (VCV002614402.8), dbSNP rs769308213, ClinGen allele CA566558.
Genomic context (GRCh38, chr1:7,664,613, plus strand): 5'-CTTCCTCCCTCCACCTCATGCAGTTCCAGGCCAACTTCCAGGCCATGACGGCAGAAGGGG[A>T]GGTCACCATGGAGACCTCGCAGGCGGCGGAAGGGAGCGAGGTCCTGCTCAAGTCTGGGGA-3'
Protein context (NP_056030.1, residues 679-699): ANFQAMTAEG[Glu689Val]VTMETSQAAE